The following is an entry in ClinVar:

NM_003742.4(ABCB11):c.1029dup (p.Gly344fs)

Gene: ABCB11 (ATP binding cassette subfamily B member 11; minus strand). Cytogenetic location: 2q31.1.
Variant type: Duplication.
Coding change: c.1029dup on transcript NM_003742.4 (MANE Select); coding-DNA position 1029, one base duplicated (C; older notation c.1029dupC).
Protein change: p.Gly344fs; shifts the reading frame from glycine 344.
Molecular consequence: frameshift variant.
Genome position (GRCh38, 1-based): chr2:168,986,164, G duplicated on the plus strand (C on the coding strand, the reverse complement: ABCB11 is on the minus strand). VCF-style (leftmost placement, unchanged base first): chr2-168986163-C-CG. GRCh37 (hg19) VCF-style: chr2-169842673-C-CG.
Other names: c.1029dupC (NM_003742.4); short protein forms G344fs.
Identifiers: ClinVar variation 2680109 (VCV002680109.5), dbSNP rs2545431676, ClinGen allele CA2661807575.
Genomic context (GRCh38, chr2:168,986,163, plus strand): 5'-AAGGTACCTGGACAAGGGTTCCTGGTGTATATTCTCCTTCATCCAGGACAAGTGTGGAGC[C>CG]GTACCAGAAGGCCAGTGCATAACACAAAAAGATGAGACACCACACGAATCCAGTAAAGAA-3'

ClinVar aggregate classification (germline): Pathogenic/Likely pathogenic. Review status: criteria provided, multiple submitters, no conflicts (2 of 4 stars). 3 submissions from 3 submitters: Pathogenic (1); Likely pathogenic (2). Last evaluated 2025-02-14.

Conditions:
Benign recurrent intrahepatic cholestasis type 2 (BRIC2). Also called: Recurrent familial intrahepatic cholestasis 2. Identifiers: Orphanet 65682, Orphanet 99961, MedGen C2608083, MONDO:0011559, OMIM 605479.
Progressive familial intrahepatic cholestasis type 2. Identifiers: Orphanet 79304, MedGen C3489789, MONDO:0011156, OMIM 601847.

Allele frequency attached by ClinVar (database versions not stated): gnomAD exomes 0.00001.

Submissions (3):

Natera, Inc.
Classification: Likely pathogenic for Progressive familial intrahepatic cholestasis type 2. Last evaluated: 2025-02-14. Review status: criteria provided, single submitter. Criteria: Natera Variant Classification Schema (03/2026). Collection method: clinical testing. Allele origin: germline.
Comment: The c.1029dupC variant in ABCB11 is a frameshift variant predicted to shift the reading frame beginning at codon 344 and leads to a stop codon 8 codons downstream. This variant is expected to result in nonsense mediated decay, truncation, or a dysfunctional protein product. This variant is rare in the general population with a frequency below the threshold expected for the associated phenotype(s). Given the available evidence, this variant is classified as Likely Pathogenic.

Baylor Genetics
Classification: Likely pathogenic for Benign recurrent intrahepatic cholestasis type 2. Last evaluated: 2023-08-22. Review status: criteria provided, single submitter. Criteria: ACMG Guidelines, 2015. Collection method: clinical testing. Allele origin: unknown.

Labcorp Genetics (formerly Invitae), Labcorp
Classification: Pathogenic. Last evaluated: 2022-11-23. Review status: criteria provided, single submitter. Criteria: Invitae Variant Classification Sherloc (09022015). Collection method: clinical testing. Allele origin: germline.
Comment: For these reasons, this variant has been classified as Pathogenic. This variant has not been reported in the literature in individuals affected with ABCB11-related conditions. This variant is not present in population databases (gnomAD no frequency). This sequence change creates a premature translational stop signal (p.Gly344Argfs*8) in the ABCB11 gene. It is expected to result in an absent or disrupted protein product. Loss-of-function variants in ABCB11 are known to be pathogenic (PMID: 18395098, 20232290).

Literature cited by the submitters: PubMed 18395098 (cited by Labcorp Genetics (formerly Invitae), Labcorp); PubMed 20232290 (cited by Labcorp Genetics (formerly Invitae), Labcorp).